The following is an entry in ClinVar:

ClinVar aggregate classification (germline): Uncertain significance (1 of 4 stars; one submission).

Submission:

Labcorp Genetics (formerly Invitae), Labcorp
Classification: Uncertain significance. Last evaluated: 2025-10-01. Review status: criteria provided, single submitter. Criteria: Invitae Variant Classification Sherloc (09022015). Collection method: clinical testing. Allele origin: germline.
Comment: This sequence change replaces glutamic acid, which is acidic and polar, with lysine, which is basic and polar, at codon 954 of the RAI1 protein (p.Glu954Lys). This variant is not present in population databases (gnomAD no frequency). This variant has not been reported in the literature in individuals affected with RAI1-related conditions. ClinVar contains an entry for this variant (Variation ID: 1713740). Invitae Evidence Modeling of protein sequence and biophysical properties (such as structural, functional, and spatial information, amino acid conservation, physicochemical variation, residue mobility, and thermodynamic stability) has been performed for this missense variant. However, the output from this modeling did not meet the statistical confidence thresholds required to predict the impact of this variant on RAI1 protein function. In summary, the available evidence is currently insufficient to determine the role of this variant in disease. Therefore, it has been classified as a Variant of Uncertain Significance.

NM_030665.4(RAI1):c.2860G>A (p.Glu954Lys)

Gene: RAI1 (retinoic acid induced 1; plus strand). Cytogenetic location: 17p11.2.
Variant type: single nucleotide variant.
Coding change: c.2860G>A on transcript NM_030665.4 (MANE Select); coding-DNA position 2860, G replaced by A.
Protein change: p.Glu954Lys; replaces glutamic acid 954 with lysine.
Molecular consequence: missense variant.
Genome position (GRCh38, 1-based): chr17:17,795,808, G>A. VCF-style: chr17-17795808-G-A. GRCh37 (hg19) VCF-style: chr17-17699122-G-A.
Other names: short protein forms E954K.
Identifiers: ClinVar variation 1713740 (VCV001713740.5), dbSNP rs2508583843, ClinGen allele CA398552148.
Genomic context (GRCh38, chr17:17,795,808, plus strand): 5'-ACCGAGTCAAAGGTCCAGAGCTGGTTTGAGTCCTCTCTGTCACACATGAAGCCAGGTGAA[G>A]AGGGGCCTGATGGGGAGCGAGCTCCAGGGGATTCCACCACCTCGGACGCCTCTCTGGCCC-3'
Protein context (NP_109590.3, residues 944-964): SSLSHMKPGE[Glu954Lys]GPDGERAPGD